The following is an entry in ClinVar:

NM_147161.4(ACOT11):c.1223C>T (p.Ser408Leu)

Gene: ACOT11 (acyl-CoA thioesterase 11; plus strand). Cytogenetic location: 1p32.3.
Variant type: single nucleotide variant.
Coding change: c.1223C>T on transcript NM_147161.4 (MANE Select); coding-DNA position 1223, C replaced by T.
Protein change: p.Ser408Leu; replaces serine 408 with leucine.
Molecular consequence: missense variant.
Genome position (GRCh38, 1-based): chr1:54,604,416, C>T. VCF-style: chr1-54604416-C-T. GRCh37 (hg19) VCF-style: chr1-55070089-C-T.
Other names: c.1223C>T, p.Ser408Leu (NM_015547.4); short protein forms S408L.
Identifiers: ClinVar variation 2638829 (VCV002638829.24), dbSNP rs34148246, ClinGen allele CA866550.
Genomic context (GRCh38, chr1:54,604,416, plus strand): 5'-GCTACAATAACGTCTCCTCCTTGAAGATGCTTGTGGCCAAGGACAACTGGGTGCTGTCCT[C>T]GGAGATCAGTCAGGTAGCTGACCCCACCCACCCAATTTTCCTTTCTCATCTGAGCCAGAG-3'
Protein context (NP_671517.1, residues 398-418): LVAKDNWVLS[Ser408Leu]EISQVRLYTL

ClinVar aggregate classification (germline): Likely benign (1 of 4 stars; one submission).

Allele frequency attached by ClinVar (database versions not stated): 1000 Genomes Project 0.00100; 1000 Genomes Project 30x 0.00109; TOPMed 0.00286; gnomAD 0.00355; ESP Exome Variant Server 0.00377; ExAC 0.00414; gnomAD exomes 0.00491.
gnomAD v4.1: 7,704 of 1,613,938 alleles (0.48%); highest among the groups gnomAD compares: Non-Finnish European, 0.5%; 28 homozygotes.

Submission:

CeGaT Center for Human Genetics Tuebingen
Classification: Likely benign. Last evaluated: 2022-12-01. Review status: criteria provided, single submitter. Criteria: CeGaT Center For Human Genetics Tuebingen Variant Classification Criteria Version 2. Collection method: clinical testing. Allele origin: germline. Affected: yes. Observed: 1 variant allele.
Comment: ACOT11: BP4, BS2